The following is an entry in ClinVar:

ClinVar aggregate classification (germline): Uncertain significance (1 of 4 stars; one submission).

Conditions:
Developmental and epileptic encephalopathy, 9 (DEE9). Also called: Early infantile epileptic encephalopathy 9; EPILEPSY, FEMALE-RESTRICTED, WITH MENTAL RETARDATION; JUBERG-HELLMAN SYNDROME; PCDH19-Related X-Linked Female-Limited Epilepsy with Mental Retardation. Identifiers: Orphanet 101039, Orphanet 2076, MedGen C1848137, MONDO:0010246, OMIM 300088. Disease mechanism: loss of function.

Allele frequency attached by ClinVar (database versions not stated): gnomAD exomes below 0.00001.
gnomAD v4.1: 2 of 1,211,601 alleles (0.00017%); highest among the groups gnomAD compares: South Asian, 0.0018%; no homozygotes.

Submission:

Labcorp Genetics (formerly Invitae), Labcorp
Classification: Uncertain significance for Developmental and epileptic encephalopathy, 9. Last evaluated: 2020-08-21. Review status: criteria provided, single submitter. Criteria: Invitae Variant Classification Sherloc (09022015). Collection method: clinical testing. Allele origin: germline.
Comment: This sequence change replaces tyrosine with cysteine at codon 505 of the PCDH19 protein (p.Tyr505Cys). The tyrosine residue is highly conserved and there is a large physicochemical difference between tyrosine and cysteine. This variant is not present in population databases (ExAC no frequency). This variant has not been reported in the literature in individuals with PCDH19-related conditions. Algorithms developed to predict the effect of missense changes on protein structure and function (SIFT, PolyPhen-2, Align-GVGD) all suggest that this variant is likely to be disruptive, but these predictions have not been confirmed by published functional studies and their clinical significance is uncertain. In summary, the available evidence is currently insufficient to determine the role of this variant in disease. Therefore, it has been classified as a Variant of Uncertain Significance.

NM_001184880.2(PCDH19):c.1514A>G (p.Tyr505Cys)

Gene: PCDH19 (protocadherin 19; minus strand). Cytogenetic location: Xq22.1.
Variant type: single nucleotide variant.
Coding change: c.1514A>G on transcript NM_001184880.2 (MANE Select); coding-DNA position 1514, A replaced by G.
Protein change: p.Tyr505Cys; replaces tyrosine 505 with cysteine.
Molecular consequence: missense variant.
Genome position (GRCh38, 1-based): chrX:100,407,084, T>C on the plus strand (A>G on the coding strand, the complement: PCDH19 is on the minus strand). VCF-style: chrX-100407084-T-C. GRCh37 (hg19) VCF-style: chrX-99662082-T-C.
Other names: c.1514A>G, p.Tyr505Cys (NM_001105243.2, NM_020766.3); short protein forms Y505C.
Identifiers: ClinVar variation 863992 (VCV000863992.10), dbSNP rs1928382143, ClinGen allele CA414002562.